The following is an entry in ClinVar:

NM_005465.7(AKT3):c.1259C>T (p.Pro420Leu)

Gene: AKT3 (AKT serine/threonine kinase 3; minus strand). Cytogenetic location: 1q44.
Variant type: single nucleotide variant.
Coding change: c.1259C>T on transcript NM_005465.7 (MANE Select); coding-DNA position 1259, C replaced by T.
Protein change: p.Pro420Leu; replaces proline 420 with leucine.
Molecular consequence: missense variant.
Genome position (GRCh38, 1-based): chr1:243,512,419, G>A on the plus strand (C>T on the coding strand, the complement: AKT3 is on the minus strand). VCF-style: chr1-243512419-G-A. GRCh37 (hg19) VCF-style: chr1-243675721-G-A.
Other names: c.1259C>T, p.Pro420Leu (NM_001206729.2, NM_001370074.1, NM_181690.2); short protein forms P420L.
Identifiers: ClinVar variation 4531056 (VCV004531056.1).

ClinVar aggregate classification (germline): Uncertain significance (1 of 4 stars; one submission).

Submission:

GeneDx
Classification: Uncertain significance. Last evaluated: 2025-05-19. Review status: criteria provided, single submitter. Criteria: GeneDx Variant Classification Process June 2021. Collection method: clinical testing. Allele origin: germline. Affected: yes.
Comment: Not observed at significant frequency in large population cohorts (gnomAD); In silico analysis supports that this missense variant has a deleterious effect on protein structure/function; Has not been previously published as pathogenic or benign to our knowledge